The following is an entry in ClinVar:

ClinVar aggregate classification (germline): Likely benign. Review status: criteria provided, multiple submitters, no conflicts (2 of 4 stars). 2 submissions from 2 submitters: Likely benign (2). Last evaluated 2026-09-01.

Allele frequency attached by ClinVar (database versions not stated): TOPMed below 0.00001; gnomAD 0.00001; ExAC 0.00002.
gnomAD v4.1: 22 of 1,613,814 alleles (0.0014%); highest among the groups gnomAD compares: Middle Eastern, 0.033%; no homozygotes.

Submissions (2):

CeGaT Center for Human Genetics Tuebingen
Classification: Likely benign. Last evaluated: 2026-09-01. Review status: criteria provided, single submitter. Criteria: CeGaT Center For Human Genetics Tuebingen Variant Classification Criteria Version 2. Collection method: clinical testing. Allele origin: germline. Affected: yes. Observed: 1 variant allele.
Comment: ITPR1: BP4, BP7

Labcorp Genetics (formerly Invitae), Labcorp
Classification: Likely benign. Last evaluated: 2024-03-05. Review status: criteria provided, single submitter. Criteria: Invitae Variant Classification Sherloc (09022015). Collection method: clinical testing. Allele origin: germline.

NM_001378452.1(ITPR1):c.2262C>T (p.Asn754=)

Gene: ITPR1 (inositol 1,4,5-trisphosphate receptor type 1; plus strand). Cytogenetic location: 3p26.1.
Variant type: single nucleotide variant.
Coding change: c.2262C>T on transcript NM_001378452.1 (MANE Select); coding-DNA position 2262, C replaced by T.
Protein change: p.Asn754=; no amino-acid change (asparagine 754 retained).
Molecular consequence: synonymous variant.
Genome position (GRCh38, 1-based): chr3:4,673,193, C>T. VCF-style: chr3-4673193-C-T. GRCh37 (hg19) VCF-style: chr3-4714877-C-T.
Other names: c.2262C>T, p.Asn754= (NM_001099952.4); c.2217C>T, p.Asn739= (NM_001168272.2, NM_002222.7).
Identifiers: ClinVar variation 2971797 (VCV002971797.4), dbSNP rs748314173, ClinGen allele CA2231382.